The following is an entry in ClinVar:

NM_004444.5(EPHB4):c.508A>G (p.Ser170Gly)

Gene: EPHB4 (EPH receptor B4; minus strand). Cytogenetic location: 7q22.1.
Variant type: single nucleotide variant.
Coding change: c.508A>G on transcript NM_004444.5 (MANE Select); coding-DNA position 508, A replaced by G.
Protein change: p.Ser170Gly; replaces serine 170 with glycine.
Molecular consequence: missense variant.
Genome position (GRCh38, 1-based): chr7:100,822,571, T>C on the plus strand (A>G on the coding strand, the complement: EPHB4 is on the minus strand). VCF-style: chr7-100822571-T-C. GRCh37 (hg19) VCF-style: chr7-100420193-T-C.
Other names: short protein forms S170G.
Identifiers: ClinVar variation 4824082 (VCV004824082.1).

ClinVar aggregate classification (germline): Uncertain significance (1 of 4 stars; one submission).

Conditions:
Cardiovascular phenotype. Identifiers: MedGen CN230736.

gnomAD v4.1: 1 of 1,613,112 alleles (0.000062%); highest among the groups gnomAD compares: African/African-American, 0.0013%; no homozygotes.

Submission:

Ambry Genetics
Classification: Uncertain significance for Cardiovascular phenotype. Last evaluated: 2026-02-19. Review status: criteria provided, single submitter. Criteria: Ambry Variant Classification Scheme 2023. Collection method: clinical testing. Allele origin: germline.
Comment: The p.S170G variant (also known as c.508A>G), located in coding exon 4 of the EPHB4 gene, results from an A to G substitution at nucleotide position 508. The serine at codon 170 is replaced by glycine, an amino acid with similar properties. This amino acid position is conserved. In addition, this alteration is predicted to be tolerated by in silico analysis. Based on the available evidence, the clinical significance of this variant remains unclear.